The following is an entry in ClinVar:

NM_004260.4(RECQL4):c.203C>T (p.Ala68Val)

Gene: RECQL4 (RecQ like helicase 4; minus strand). Cytogenetic location: 8q24.3.
Variant type: single nucleotide variant.
Coding change: c.203C>T on transcript NM_004260.4 (MANE Select); coding-DNA position 203, C replaced by T.
Protein change: p.Ala68Val; replaces alanine 68 with valine.
Molecular consequence: missense variant.
Genome position (GRCh38, 1-based): chr8:144,517,424, G>A on the plus strand (C>T on the coding strand, the complement: RECQL4 is on the minus strand). VCF-style: chr8-144517424-G-A. GRCh37 (hg19) VCF-style: chr8-145742808-G-A.
Other names: c.203C>T (NM_004260.3); short protein forms A68V.
Identifiers: ClinVar variation 1360948 (VCV001360948.7), dbSNP rs2130740261, ClinGen allele CA372692501.

ClinVar aggregate classification (germline): Uncertain significance. Review status: criteria provided, multiple submitters, no conflicts (2 of 4 stars). 2 submissions from 2 submitters: Uncertain significance (2). Last evaluated 2025-05-21.

Conditions:
Inborn genetic diseases. Identifiers: MedGen C0950123, MeSH D030342.
Baller-Gerold syndrome (BGS). Also called: CRANIOSYNOSTOSIS WITH RADIAL DEFECTS. Identifiers: Orphanet 1225, MedGen C0265308, MONDO:0009039, OMIM 218600.

gnomAD v4.1: 1 of 1,576,132 alleles (0.000063%); highest among the groups gnomAD compares: Non-Finnish European, 0.000086%; no homozygotes.

Submissions (2):

Ambry Genetics
Classification: Uncertain significance for Inborn genetic diseases. Last evaluated: 2025-05-21. Review status: criteria provided, single submitter. Criteria: Ambry Variant Classification Scheme 2023. Collection method: clinical testing. Allele origin: germline.
Comment: The p.A68V variant (also known as c.203C>T), located in coding exon 3 of the RECQL4 gene, results from a C to T substitution at nucleotide position 203. The alanine at codon 68 is replaced by valine, an amino acid with similar properties. This amino acid position is conserved. In addition, this alteration is predicted to be tolerated by in silico analysis. Based on the available evidence, the clinical significance of this variant remains unclear.

Labcorp Genetics (formerly Invitae), Labcorp
Classification: Uncertain significance for Baller-Gerold syndrome. Last evaluated: 2023-03-10. Review status: criteria provided, single submitter. Criteria: Invitae Variant Classification Sherloc (09022015). Collection method: clinical testing. Allele origin: germline.
Comment: In summary, the available evidence is currently insufficient to determine the role of this variant in disease. Therefore, it has been classified as a Variant of Uncertain Significance. Experimental studies and prediction algorithms are not available or were not evaluated, and the functional significance of this variant is currently unknown. ClinVar contains an entry for this variant (Variation ID: 1360948). This variant has not been reported in the literature in individuals affected with RECQL4-related conditions. This variant is not present in population databases (gnomAD no frequency). This sequence change replaces alanine with valine at codon 68 of the RECQL4 protein (p.Ala68Val). The alanine residue is moderately conserved and there is a small physicochemical difference between alanine and valine.